The following is an entry in ClinVar:

NM_000222.3(KIT):c.82T>C (p.Ser28Pro)

Gene: KIT (KIT proto-oncogene, receptor tyrosine kinase; plus strand). Cytogenetic location: 4q12.
Variant type: single nucleotide variant.
Coding change: c.82T>C on transcript NM_000222.3 (MANE Select); coding-DNA position 82, T replaced by C.
Protein change: p.Ser28Pro; replaces serine 28 with proline.
Molecular consequence: missense variant.
Genome position (GRCh38, 1-based): chr4:54,695,526, T>C. VCF-style: chr4-54695526-T-C. GRCh37 (hg19) VCF-style: chr4-55561692-T-C.
Other names: c.82T>C, p.Ser28Pro (NM_001093772.2, NM_001385284.1, NM_001385285.1 and 4 more transcripts); short protein forms S28P.
Identifiers: ClinVar variation 852532 (VCV000852532.11), dbSNP rs1330171716, ClinGen allele CA356896809.

ClinVar aggregate classification (germline): Uncertain significance. Review status: criteria provided, multiple submitters, no conflicts (2 of 4 stars). 2 submissions from 2 submitters: Uncertain significance (2). Last evaluated 2026-08-01.

Conditions:
Gastrointestinal stromal tumor. Also called: Gastrointestinal stroma tumor; Gastrointestinal stromal tumor, somatic. Identifiers: Orphanet 44890, MedGen C0238198, MeSH D046152, MONDO:0011719, OMIM 606764, HP:0100723.
Hereditary cancer-predisposing syndrome. Also called: Tumor predisposition; Hereditary neoplastic syndrome; Neoplastic Syndromes, Hereditary; Hereditary Cancer Syndrome. Identifiers: Orphanet 140162, MedGen C0027672, MeSH D009386, MONDO:0015356.

gnomAD v4.1: 1 of 1,614,180 alleles (0.000062%); highest among the groups gnomAD compares: Non-Finnish European, 0.000085%; no homozygotes.

Submissions (2):

Ambry Genetics
Classification: Uncertain significance for Hereditary cancer-predisposing syndrome. Last evaluated: 2026-08-01. Review status: criteria provided, single submitter. Criteria: Ambry Variant Classification Scheme 2023. Collection method: clinical testing. Allele origin: germline.
Comment: The p.S28P variant (also known as c.82T>C), located in coding exon 2 of the KIT gene, results from a T to C substitution at nucleotide position 82. The serine at codon 28 is replaced by proline, an amino acid with similar properties. This amino acid position is conserved. In addition, this alteration is predicted to be tolerated by in silico analysis. Based on the available evidence, the clinical significance of this variant remains unclear.

Labcorp Genetics (formerly Invitae), Labcorp
Classification: Uncertain significance for Gastrointestinal stromal tumor. Last evaluated: 2024-04-23. Review status: criteria provided, single submitter. Criteria: Invitae Variant Classification Sherloc (09022015). Collection method: clinical testing. Allele origin: germline.
Comment: This sequence change replaces serine, which is neutral and polar, with proline, which is neutral and non-polar, at codon 28 of the KIT protein (p.Ser28Pro). This variant is not present in population databases (gnomAD no frequency). This variant has not been reported in the literature in individuals affected with KIT-related conditions. ClinVar contains an entry for this variant (Variation ID: 852532). An algorithm developed to predict the effect of missense changes on protein structure and function (PolyPhen-2) suggests that this variant is likely to be disruptive. In summary, the available evidence is currently insufficient to determine the role of this variant in disease. Therefore, it has been classified as a Variant of Uncertain Significance.